The following is an entry in ClinVar:

ClinVar aggregate classification (germline): Conflicting classifications of pathogenicity. Review status: criteria provided, conflicting classifications (1 of 4 stars). 3 submissions from 3 submitters: Uncertain significance (1); Likely benign (1). 1 of the submissions does not count toward it. Last evaluated 2026-08-31.

Conditions:
JAK2-related disorder. Also called: JAK2-related condition.

Allele frequency attached by ClinVar (database versions not stated): gnomAD exomes 0.00006; ExAC 0.00007; TOPMed 0.00012; gnomAD 0.00013; ESP Exome Variant Server 0.00023; 1000 Genomes Project 30x 0.00031; 1000 Genomes Project 0.00040.
gnomAD v4.1: 50 of 1,613,516 alleles (0.0031%); highest among the groups gnomAD compares: African/African-American, 0.041%; no homozygotes.

Submissions (3):

PreventionGenetics, part of Exact Sciences
Classification: Uncertain significance for JAK2-related condition. Last evaluated: 2026-08-31. Review status: criteria provided, single submitter. Criteria: ACMG Guidelines, 2015. Collection method: clinical testing. Allele origin: germline.
Comment: The JAK2 c.406A>T variant is predicted to result in the amino acid substitution p.Ile136Leu. To our knowledge, this variant has not been reported in the literature. This variant is reported in 0.040% of alleles in individuals of East Asian descent in gnomAD. At this time, the clinical significance of this variant is uncertain due to the absence of conclusive functional and genetic evidence.

Labcorp Genetics (formerly Invitae), Labcorp
Classification: Likely benign. Last evaluated: 2025-03-18. Review status: criteria provided, single submitter. Criteria: Invitae Variant Classification Sherloc (09022015). Collection method: clinical testing. Allele origin: germline.

ITMI
No classification provided. Condition: AllHighlyPenetrant. Last evaluated: 2013-09-19. Review status: no classification provided. Collection method: reference population. Allele origin: germline. Not counted in ClinVar's aggregate classification.
Comment: Please see associated publication for description of ethnicities

Literature cited by the submitters: PubMed 24728327 (cited by ITMI).

NM_004972.4(JAK2):c.406A>T (p.Ile136Leu)

Genes: INSL6 (insulin like 6; minus strand), JAK2 (Janus kinase 2; plus strand). Cytogenetic location: 9p24.1.
Variant type: single nucleotide variant.
Coding change: c.406A>T on transcript NM_004972.4 (MANE Select); coding-DNA position 406, A replaced by T.
Protein change: p.Ile136Leu; replaces isoleucine 136 with leucine.
Molecular consequence: missense variant. On other transcripts: 5 prime UTR variant (3), non-coding transcript variant (2).
Genome position (GRCh38, 1-based): chr9:5,044,458, A>T. VCF-style: chr9-5044458-A-T. GRCh37 (hg19) VCF-style: chr9-5044458-A-T.
Other names: c.406A>T (NM_004972.3); c.406A>T, p.Ile136Leu (NM_001322194.2, NM_001322195.2, NM_001322196.2); c.-715A>T (NM_001322198.2, NM_001322199.2); c.-42A>T (NM_001322204.2); short protein forms I136L.
Identifiers: ClinVar variation 134558 (VCV000134558.4), dbSNP rs140052813, ClinGen allele CA160180.